The following is an entry in ClinVar:

NM_004100.5(EYA4):c.1341-10G>A

Genes: EYA4 (EYA transcriptional coactivator and phosphatase 4; plus strand), TARID (TCF21 antisense RNA inducing promoter demethylation; minus strand). Cytogenetic location: 6q23.2.
Variant type: single nucleotide variant.
Coding change: c.1341-10G>A on transcript NM_004100.5 (MANE Select); 10 bases into the intron before coding-DNA position 1341, G replaced by A.
Molecular consequence: intron variant.
Genome position (GRCh38, 1-based): chr6:133,512,868, G>A. VCF-style: chr6-133512868-G-A. GRCh37 (hg19) VCF-style: chr6-133834006-G-A.
Other names: c.1359-10G>A (NM_001301013.2); c.1341-10G>A (NM_172105.4); c.1272-10G>A (NM_001370458.1, NM_172103.4); c.1197-10G>A (NM_001370459.1); c.1179-10G>A (NM_001301012.2).
Identifiers: ClinVar variation 3893474 (VCV003893474.1).
Genomic context (GRCh38, chr6:133,512,868, plus strand): 5'-CCTACAGAAATTCGGCTGTGGAGTTTTGCACATGTAATTATTTCTTTTTAATGTATTTTG[G>A]GTGTTACAGTACCTACAGTTTTGCAACTGATGGCTTCCATGCAGCTGCAAGTAGTGCAAA-3'

ClinVar aggregate classification (germline): Uncertain significance (1 of 4 stars; one submission).

Submission:

GeneDx
Classification: Uncertain significance. Last evaluated: 2024-10-24. Review status: criteria provided, single submitter. Criteria: GeneDx Variant Classification Process June 2021. Collection method: clinical testing. Allele origin: germline. Affected: yes.
Comment: Not observed at significant frequency in large population cohorts (gnomAD); Has not been previously published as pathogenic or benign to our knowledge; In silico analysis is inconclusive as to whether the variant alters gene splicing; in the absence of RNA/functional studies the actual effect of this sequence change is unknown